The following is an entry in ClinVar:

NM_175875.5(SIX5):c.1717G>C (p.Val573Leu)

Gene: SIX5 (SIX homeobox 5; minus strand). Cytogenetic location: 19q13.32.
Variant type: single nucleotide variant.
Coding change: c.1717G>C on transcript NM_175875.5 (MANE Select); coding-DNA position 1717, G replaced by C.
Protein change: p.Val573Leu; replaces valine 573 with leucine.
Molecular consequence: missense variant.
Genome position (GRCh38, 1-based): chr19:45,766,004, C>G on the plus strand (G>C on the coding strand, the complement: SIX5 is on the minus strand). VCF-style: chr19-45766004-C-G. GRCh37 (hg19) VCF-style: chr19-46269262-C-G.
Other names: short protein forms V573L.
Identifiers: ClinVar variation 2176423 (VCV002176423.4), dbSNP rs534099181, ClinGen allele CA9520529.
Genomic context (GRCh38, chr19:45,766,004, plus strand): 5'-TGGCCGTCTCTGGCTTCAGTGGCAGGGCCAGGCCGGGGGCTGGCGGCAGGACCTGGGAGA[C>G]GAGCATGCTGGTGGGGAAGGTGGCGGTGAGGATGATCTTGCCCTGCTGCAGGGCCACACC-3'
Protein context (NP_787071.3, residues 563-583): LTATFPTSML[Val573Leu]SQVLPPAPGL

ClinVar aggregate classification (germline): Uncertain significance (1 of 4 stars; one submission).

Allele frequency attached by ClinVar (database versions not stated): 1000 Genomes Project 30x 0.00016; 1000 Genomes Project 0.00020.
gnomAD v4.1: 39 of 1,605,536 alleles (0.0024%); highest among the groups gnomAD compares: East Asian, 0.083%; no homozygotes.

Submission:

Labcorp Genetics (formerly Invitae), Labcorp
Classification: Uncertain significance. Last evaluated: 2022-03-13. Review status: criteria provided, single submitter. Criteria: Invitae Variant Classification Sherloc (09022015). Collection method: clinical testing. Allele origin: germline.
Comment: In summary, the available evidence is currently insufficient to determine the role of this variant in disease. Therefore, it has been classified as a Variant of Uncertain Significance. Algorithms developed to predict the effect of missense changes on protein structure and function (SIFT, PolyPhen-2, Align-GVGD) all suggest that this variant is likely to be tolerated. This variant has not been reported in the literature in individuals affected with SIX5-related conditions. This variant is present in population databases (rs534099181, gnomAD 0.1%), and has an allele count higher than expected for a pathogenic variant. This sequence change replaces valine, which is neutral and non-polar, with leucine, which is neutral and non-polar, at codon 573 of the SIX5 protein (p.Val573Leu).